The following is an entry in ClinVar:

ClinVar aggregate classification (germline): Uncertain significance (1 of 4 stars; one submission).

Conditions:
X-linked Emery-Dreifuss muscular dystrophy. Also called: Muscular dystrophy, tardive Emery-Dreifuss type, with contractures. Identifiers: Orphanet 261, Orphanet 98863, MedGen C0751337, MONDO:0010680.

Submission:

Labcorp Genetics (formerly Invitae), Labcorp
Classification: Uncertain significance for X-linked Emery-Dreifuss muscular dystrophy. Last evaluated: 2023-11-06. Review status: criteria provided, single submitter. Criteria: Invitae Variant Classification Sherloc (09022015). Collection method: clinical testing. Allele origin: germline.
Comment: This sequence change replaces glutamine, which is neutral and polar, with arginine, which is basic and polar, at codon 219 of the EMD protein (p.Gln219Arg). This variant is not present in population databases (gnomAD no frequency). This variant has not been reported in the literature in individuals affected with EMD-related conditions. ClinVar contains an entry for this variant (Variation ID: 1962621). Advanced modeling of protein sequence and biophysical properties (such as structural, functional, and spatial information, amino acid conservation, physicochemical variation, residue mobility, and thermodynamic stability) performed at Invitae indicates that this missense variant is not expected to disrupt EMD protein function with a negative predictive value of 80%. In summary, the available evidence is currently insufficient to determine the role of this variant in disease. Therefore, it has been classified as a Variant of Uncertain Significance.

NM_000117.3(EMD):c.656A>G (p.Gln219Arg)

Gene: EMD (emerin; plus strand). Cytogenetic location: Xq28.
Variant type: single nucleotide variant.
Coding change: c.656A>G on transcript NM_000117.3 (MANE Select); coding-DNA position 656, A replaced by G.
Protein change: p.Gln219Arg; replaces glutamine 219 with arginine.
Molecular consequence: missense variant.
Genome position (GRCh38, 1-based): chrX:154,381,088, A>G. VCF-style: chrX-154381088-A-G. GRCh37 (hg19) VCF-style: chrX-153609448-A-G.
Other names: short protein forms Q219R.
Identifiers: ClinVar variation 1962621 (VCV001962621.5), dbSNP rs2522790628, ClinGen allele CA415259115.